The following is an entry in ClinVar:

NM_004360.5(CDH1):c.610G>T (p.Val204Phe)

Gene: CDH1 (cadherin 1; plus strand). Cytogenetic location: 16q22.1.
Variant type: single nucleotide variant.
Coding change: c.610G>T on transcript NM_004360.5 (MANE Select); coding-DNA position 610, G replaced by T.
Protein change: p.Val204Phe; replaces valine 204 with phenylalanine.
Molecular consequence: missense variant. On other transcripts: 5 prime UTR variant (2).
Genome position (GRCh38, 1-based): chr16:68,808,771, G>T. VCF-style: chr16-68808771-G-T. GRCh37 (hg19) VCF-style: chr16-68842674-G-T.
Other names: c.610G>T, p.Val204Phe (NM_001317184.2); c.-1006G>T (NM_001317185.2); c.-1210G>T (NM_001317186.2); short protein forms V204F.
Identifiers: ClinVar variation 960521 (VCV000960521.10), dbSNP rs876661028, ClinGen allele CA396458005.
Genomic context (GRCh38, chr16:68,808,771, plus strand): 5'-AAAGAAGGCAAGGTTTTCTACAGCATCACTGGCCAAGGAGCTGACACACCCCCTGTTGGT[G>T]TCTTTATTATTGAAAGAGAAACAGGATGGCTGAAGGTGACAGAGCCTCTGGATAGAGAAC-3'
Protein context (NP_004351.1, residues 194-214): GQGADTPPVG[Val204Phe]FIIERETGWL

ClinVar aggregate classification (germline): Uncertain significance (1 of 4 stars; one submission).

Conditions:
Hereditary diffuse gastric adenocarcinoma (HDGC). Also called: DIFFUSE GASTRIC AND LOBULAR BREAST CANCER SYNDROME. Identifiers: Orphanet 26106, MedGen C1708349, MONDO:0007648, OMIM 137215.

Submission:

Labcorp Genetics (formerly Invitae), Labcorp
Classification: Uncertain significance for Hereditary diffuse gastric adenocarcinoma. Last evaluated: 2019-08-29. Review status: criteria provided, single submitter. Criteria: Invitae Variant Classification Sherloc (09022015). Collection method: clinical testing. Allele origin: germline.
Comment: In summary, the available evidence is currently insufficient to determine the role of this variant in disease. Therefore, it has been classified as a Variant of Uncertain Significance. Algorithms developed to predict the effect of missense changes on protein structure and function are either unavailable or do not agree on the potential impact of this missense change (SIFT: "Deleterious"; PolyPhen-2: "Probably Damaging"; Align-GVGD: "Class C0"). This variant has not been reported in the literature in individuals with CDH1-related conditions. This variant is not present in population databases (ExAC no frequency). This sequence change replaces valine with phenylalanine at codon 204 of the CDH1 protein (p.Val204Phe). The valine residue is moderately conserved and there is a small physicochemical difference between valine and phenylalanine.